The following is an entry in ClinVar:

ClinVar aggregate classification (germline): Uncertain significance (1 of 4 stars; one submission).

Allele frequency attached by ClinVar (database versions not stated): gnomAD exomes below 0.00001.

Submission:

Labcorp Genetics (formerly Invitae), Labcorp
Classification: Uncertain significance. Last evaluated: 2022-03-19. Review status: criteria provided, single submitter. Criteria: Invitae Variant Classification Sherloc (09022015). Collection method: clinical testing. Allele origin: germline.
Comment: In summary, the available evidence is currently insufficient to determine the role of this variant in disease. Therefore, it has been classified as a Variant of Uncertain Significance. This variant has not been reported in the literature in individuals affected with CAMK2B-related conditions. This variant is not present in population databases (gnomAD no frequency). This sequence change creates a premature translational stop signal (p.Pro236Argfs*8) in the CAMK2B gene. It is expected to result in an absent or disrupted protein product. However, the current clinical and genetic evidence is not sufficient to establish whether loss-of-function variants in CAMK2B cause disease.

NM_001220.5(CAMK2B):c.707_708del (p.Pro236fs)

Gene: CAMK2B (calcium/calmodulin dependent protein kinase II beta; minus strand). Cytogenetic location: 7p13.
Variant type: Deletion.
Coding change: c.707_708del on transcript NM_001220.5 (MANE Select); coding-DNA positions 707 to 708, 2 bases deleted (CT; older notation c.707_708delCT).
Protein change: p.Pro236fs; shifts the reading frame from proline 236.
Molecular consequence: frameshift variant.
Genome position (GRCh38, 1-based): chr7:44,242,329-44,242,330, AG deleted on the plus strand (CT on the coding strand, the reverse complement: CAMK2B is on the minus strand). VCF-style (leftmost placement, unchanged base first): chr7-44242328-CAG-C. GRCh37 (hg19) VCF-style: chr7-44281927-CAG-C.
Other names: c.707_708del, p.Pro236fs (NM_001293170.2, NM_172078.3, NM_172079.3 and 5 more transcripts); short protein forms P236fs.
Identifiers: ClinVar variation 1522319 (VCV001522319.6), dbSNP rs2128966671, ClinGen allele CA2573142134.